The following is an entry in ClinVar:

NM_025099.6(CTC1):c.2056G>A (p.Ala686Thr)

Gene: CTC1 (CST telomere replication complex component 1; minus strand). Cytogenetic location: 17p13.1.
Variant type: single nucleotide variant.
Coding change: c.2056G>A on transcript NM_025099.6 (MANE Select); coding-DNA position 2056, G replaced by A.
Protein change: p.Ala686Thr; replaces alanine 686 with threonine.
Molecular consequence: missense variant. On other transcripts: non-coding transcript variant (1).
Genome position (GRCh38, 1-based): chr17:8,232,365, C>T on the plus strand (G>A on the coding strand, the complement: CTC1 is on the minus strand). VCF-style: chr17-8232365-C-T. GRCh37 (hg19) VCF-style: chr17-8135683-C-T.
Other names: c.2056G>A, p.Ala686Thr (NM_001411067.1); short protein forms A686T.
Identifiers: ClinVar variation 2067938 (VCV002067938.3), dbSNP rs772300954, ClinGen allele CA8372196.
Genomic context (GRCh38, chr17:8,232,365, plus strand): 5'-CACCAGGCCCTTCCTTCCCCCCAGACTCAAGACAACCATGACCCCAAGGAGCCAACCTGG[C>T]CTGCTGCTTCTGGATGAAGCCTGGCATGCTCAGCTCCTTCCAGGAAGGGAAGCTGCTTCT-3'
Protein context (NP_079375.3, residues 676-696): SMPGFIQKQQ[Ala686Thr]RVYVQFFLAD

ClinVar aggregate classification (germline): Uncertain significance (1 of 4 stars; one submission).

Conditions:
Dyskeratosis congenita. Identifiers: Orphanet 1775, MedGen C0265965, MONDO:0015780.

Allele frequency attached by ClinVar (database versions not stated): TOPMed below 0.00001; gnomAD exomes 0.00001; ExAC 0.00002.

Submission:

Labcorp Genetics (formerly Invitae), Labcorp
Classification: Uncertain significance for Dyskeratosis congenita. Last evaluated: 2024-10-14. Review status: criteria provided, single submitter. Criteria: Invitae Variant Classification Sherloc (09022015). Collection method: clinical testing. Allele origin: germline.
Comment: This sequence change replaces alanine, which is neutral and non-polar, with threonine, which is neutral and polar, at codon 686 of the CTC1 protein (p.Ala686Thr). This variant is present in population databases (rs772300954, gnomAD 0.002%). This variant has not been reported in the literature in individuals affected with CTC1-related conditions. ClinVar contains an entry for this variant (Variation ID: 2067938). Invitae Evidence Modeling of protein sequence and biophysical properties (such as structural, functional, and spatial information, amino acid conservation, physicochemical variation, residue mobility, and thermodynamic stability) indicates that this missense variant is not expected to disrupt CTC1 protein function with a negative predictive value of 80%. In summary, the available evidence is currently insufficient to determine the role of this variant in disease. Therefore, it has been classified as a Variant of Uncertain Significance.